The following is an entry in ClinVar:

ClinVar aggregate classification (germline): Uncertain significance (1 of 4 stars; one submission).

Conditions:
Intellectual developmental disorder, X-linked 1. Also called: Atkin Flaitz Patil Smith syndrome; Intellectual disability, X-linked 1; MENTAL RETARDATION, X-LINKED 18; MENTAL RETARDATION, X-LINKED 78. Identifiers: Orphanet 777, MedGen C2931498, MONDO:0010656, OMIM 309530.

Submission:

Labcorp Genetics (formerly Invitae), Labcorp
Classification: Uncertain significance for Intellectual developmental disorder, X-linked 1. Last evaluated: 2020-03-19. Review status: criteria provided, single submitter. Criteria: Invitae Variant Classification Sherloc (09022015). Collection method: clinical testing. Allele origin: germline.
Comment: This sequence change falls in intron 4 of the IQSEC2 gene. It does not directly change the encoded amino acid sequence of the IQSEC2 protein, but it affects a nucleotide within the consensus splice site of the intron. This variant is not present in population databases (ExAC no frequency). This variant has not been reported in the literature in individuals with IQSEC2-related conditions. Nucleotide substitutions within the consensus splice site are a relatively common cause of aberrant splicing (PMID: 17576681, 9536098). Algorithms developed to predict the effect of sequence changes on RNA splicing suggest that this variant may disrupt the consensus splice site, but this prediction has not been confirmed by published transcriptional studies. In summary, the available evidence is currently insufficient to determine the role of this variant in disease. Therefore, it has been classified as a Variant of Uncertain Significance.

Literature cited by the submitters: PubMed 17576681; PubMed 9536098.

NM_001111125.3(IQSEC2):c.1402-3C>G

Gene: IQSEC2 (IQ motif and Sec7 domain ArfGEF 2; minus strand). Cytogenetic location: Xp11.22.
Variant type: single nucleotide variant.
Coding change: c.1402-3C>G on transcript NM_001111125.3 (MANE Select); 3 bases into the intron before coding-DNA position 1402, C replaced by G.
Molecular consequence: intron variant.
Genome position (GRCh38, 1-based): chrX:53,251,177, G>C on the plus strand (C>G on the coding strand, the complement: IQSEC2 is on the minus strand). VCF-style: chrX-53251177-G-C. GRCh37 (hg19) VCF-style: chrX-53280359-G-C.
Other names: c.787-3C>G (NM_015075.2).
Identifiers: ClinVar variation 1024558 (VCV001024558.9), dbSNP rs2074385671, ClinGen allele CA2429775798.